The following is an entry in ClinVar:

ClinVar aggregate classification (germline): Uncertain significance (1 of 4 stars; one submission).

gnomAD v4.1: 2 of 1,613,512 alleles (0.00012%); highest among the groups gnomAD compares: Non-Finnish European, 0.00017%; no homozygotes.

Submission:

Labcorp Genetics (formerly Invitae), Labcorp
Classification: Uncertain significance. Last evaluated: 2024-10-28. Review status: criteria provided, single submitter. Criteria: Invitae Variant Classification Sherloc (09022015). Collection method: clinical testing. Allele origin: germline.
Comment: This sequence change replaces leucine, which is neutral and non-polar, with glutamine, which is neutral and polar, at codon 177 of the CNGA3 protein (p.Leu177Gln). This variant is present in population databases (rs145830636, gnomAD 0.0009%). This variant has not been reported in the literature in individuals affected with CNGA3-related conditions. Invitae Evidence Modeling of protein sequence and biophysical properties (such as structural, functional, and spatial information, amino acid conservation, physicochemical variation, residue mobility, and thermodynamic stability) has been performed for this missense variant. However, the output from this modeling did not meet the statistical confidence thresholds required to predict the impact of this variant on CNGA3 protein function. In summary, the available evidence is currently insufficient to determine the role of this variant in disease. Therefore, it has been classified as a Variant of Uncertain Significance.

NM_001298.3(CNGA3):c.530T>A (p.Leu177Gln)

Gene: CNGA3 (cyclic nucleotide gated channel subunit alpha 3; plus strand). Cytogenetic location: 2q11.2.
Variant type: single nucleotide variant.
Coding change: c.530T>A on transcript NM_001298.3 (MANE Select); coding-DNA position 530, T replaced by A.
Protein change: p.Leu177Gln; replaces leucine 177 with glutamine.
Molecular consequence: missense variant.
Genome position (GRCh38, 1-based): chr2:98,389,738, T>A. VCF-style: chr2-98389738-T-A. GRCh37 (hg19) VCF-style: chr2-99006201-T-A.
Other names: c.476T>A, p.Leu159Gln (NM_001079878.2); short protein forms L177Q, L159Q.
Identifiers: ClinVar variation 3665643 (VCV003665643.2).